The following is an entry in ClinVar:

ClinVar aggregate classification (germline): Uncertain significance (1 of 4 stars; one submission).

Conditions:
SEMA3D-related disorder. Also called: SEMA3D-related condition.

gnomAD v4.1: 8 of 1,609,538 alleles (0.0005%); highest among the groups gnomAD compares: Admixed American, 0.012%; no homozygotes.

Submission:

PreventionGenetics, part of Exact Sciences
Classification: Uncertain significance for SEMA3D-related condition. Last evaluated: 2026-04-08. Review status: criteria provided, single submitter. Criteria: ACMG Guidelines, 2015. Collection method: clinical testing. Allele origin: germline.
Comment: The SEMA3D c.245T>A variant is predicted to result in the amino acid substitution p.Leu82Gln. To our knowledge, this variant has not been reported in the literature. This variant is reported in 0.017% of alleles in individuals of Latino descent in gnomAD. At this time, the clinical significance of this variant is uncertain due to the absence of conclusive functional and genetic evidence.

NM_001384900.1(SEMA3D):c.245T>A (p.Leu82Gln)

Gene: SEMA3D (semaphorin 3D; minus strand). Cytogenetic location: 7q21.11.
Variant type: single nucleotide variant.
Coding change: c.245T>A on transcript NM_001384900.1 (MANE Select); coding-DNA position 245, T replaced by A.
Protein change: p.Leu82Gln; replaces leucine 82 with glutamine.
Molecular consequence: missense variant.
Genome position (GRCh38, 1-based): chr7:85,097,872, A>T on the plus strand (T>A on the coding strand, the complement: SEMA3D is on the minus strand). VCF-style: chr7-85097872-A-T. GRCh37 (hg19) VCF-style: chr7-84727188-A-T.
Other names: c.245T>A, p.Leu82Gln (NM_001384901.1, NM_001384902.1, NM_001384903.1 and 1 more transcripts); short protein forms L82Q.
Identifiers: ClinVar variation 4983422 (VCV004983422.1).